The following is an entry in ClinVar:

NM_001257096.2(PAX1):c.158C>A (p.Ser53Ter)

Gene: PAX1 (paired box 1; plus strand). Cytogenetic location: 20p11.22.
Variant type: single nucleotide variant.
Coding change: c.158C>A on transcript NM_001257096.2 (MANE Select); coding-DNA position 158, C replaced by A.
Protein change: p.Ser53Ter; replaces serine 53 with a stop codon.
Molecular consequence: nonsense.
Genome position (GRCh38, 1-based): chr20:21,705,870, C>A. VCF-style: chr20-21705870-C-A. GRCh37 (hg19) VCF-style: chr20-21686508-C-A.
Other names: p.Ser53*; c.158C>A, p.Ser53Ter (NM_006192.5); c.158C>A (NM_006192.4); short protein forms S53*.
Identifiers: ClinVar variation 2052447 (VCV002052447.33), dbSNP rs754338004, ClinGen allele CA9786388.

ClinVar aggregate classification (germline): Conflicting classifications of pathogenicity. Review status: criteria provided, conflicting classifications (1 of 4 stars). 8 submissions from 8 submitters: Pathogenic (2); Likely pathogenic (4); Uncertain significance (2). Last evaluated 2026-06-22.

Conditions:
Otofaciocervical syndrome 2 (OTFCS2). Also called: OTOFACIOCERVICAL SYNDROME 2, WITH T-CELL DEFICIENCY. Identifiers: MedGen C5442121, MONDO:0014254, OMIM 615560.
PAX1-related disorder. Also called: PAX1-related condition.
Primary ciliary dyskinesia. Also called: Ciliary dyskinesia. Identifiers: Orphanet 244, MedGen C0008780, MONDO:0016575, HP:0012265.

Allele frequency attached by ClinVar (database versions not stated): 1000 Genomes Project 30x 0.00016; TOPMed 0.00027; ExAC 0.00028.
gnomAD v4.1: 547 of 1,392,824 alleles (0.039%); highest among the groups gnomAD compares: Non-Finnish European, 0.048%; no homozygotes.

Submissions (8):

PreventionGenetics, part of Exact Sciences
Classification: Likely pathogenic for PAX1-related condition. Last evaluated: 2026-06-22. Review status: criteria provided, single submitter. Criteria: ACMG Guidelines, 2015. Collection method: clinical testing. Allele origin: germline.
Comment: The PAX1 c.158C>A variant is predicted to result in premature protein termination (p.Ser53*). To our knowledge, this variant has not been reported in the literature. This variant is reported in 0.045% of alleles in individuals of European (non-Finnish) descent in gnomAD. Nonsense variants in PAX1 are expected to be pathogenic. This variant is interpreted as likely pathogenic.

Department of Human Genetics, Hannover Medical School
Classification: Uncertain significance for Primary Ciliary Dyskinesia. Last evaluated: 2026-04-01. Review status: criteria provided, single submitter. Criteria: ACMG Guidelines, 2015. Collection method: research. Allele origin: germline. Affected: no.
Comment: Classification performed by HerediClassify using the following criteria:['PM2_supporting: Variant occures does not occur as homozygous in gnomAD.', 'PVS1_protein_strong: Transcript ENST00000613128 is not predicted to undergo NMD. Protein length change of 0.886214442013129 observed.']

Labcorp Genetics (formerly Invitae), Labcorp
Classification: Pathogenic. Last evaluated: 2026-01-08. Review status: criteria provided, single submitter. Criteria: Invitae Variant Classification Sherloc (09022015). Collection method: clinical testing. Allele origin: germline.
Comment: This sequence change creates a premature translational stop signal (p.Ser53*) in the PAX1 gene. It is expected to result in an absent or disrupted protein product. Loss-of-function variants in PAX1 are known to be pathogenic (PMID: 1889089, 23851939, 28657137, 29681087). This variant is present in population databases (rs754338004, gnomAD 0.05%). This variant has not been reported in the literature in individuals affected with PAX1-related conditions. ClinVar contains an entry for this variant (Variation ID: 2052447). For these reasons, this variant has been classified as Pathogenic.

Variantyx, Inc.
Classification: Likely pathogenic for Otofaciocervical syndrome 2. Last evaluated: 2025-12-23. Review status: criteria provided, single submitter. Criteria: Variantyx Assertion Criteria 2022. Collection method: clinical testing. Allele origin: germline. Inheritance: Autosomal recessive inheritance. Affected: no.
Comment: This is a nonsense variant in the PAX1 gene (OMIM: 167411). Pathogenic variants in this gene have been associated with autosomal recessive otofaciocervical syndrome 2. This variant introduces a premature termination codon in exon 1 out of 5 and is expected to result in loss of function, which is a known disease mechanism for PAX1 in this disorder (PMID: 28657137) (PVS1). This variant has a 0.0480% maximum allele frequency in non-founder control populations (PM2). Based on the current evidence, this variant is classified as likely pathogenic for autosomal recessive otofaciocervical syndrome 2.\

Mayo Clinic Laboratories, Mayo Clinic
Classification: Likely pathogenic. Last evaluated: 2025-11-29. Review status: criteria provided, single submitter. Criteria: ACMG Guidelines, 2015. Collection method: clinical testing. Allele origin: germline. Observed: 1 variant allele.
Comment: PM2_supporting, PVS1

Women's Health and Genetics/Laboratory Corporation of America, LabCorp
Classification: Pathogenic for Otofaciocervical syndrome 2. Last evaluated: 2024-04-16. Review status: criteria provided, single submitter. Criteria: LabCorp Variant Classification Summary - May 2015. Collection method: clinical testing. Allele origin: germline.
Comment: Variant summary: PAX1 c.158C>A (p.Ser53X) results in a premature termination codon, predicted to cause a truncation of the encoded protein or absence of the protein due to nonsense mediated decay, which are commonly known mechanisms for disease. The variant allele was found at a frequency of 0.00023 in 70648 control chromosomes. To our knowledge, no occurrence of c.158C>A in individuals affected with Otofaciocervical Syndrome 2 and no experimental evidence demonstrating its impact on protein function have been reported. ClinVar contains an entry for this variant (Variation ID: 2052447). Based on the evidence outlined above, the variant was classified as pathogenic.

CeGaT Center for Human Genetics Tuebingen
Classification: Likely pathogenic. Last evaluated: 2023-03-01. Review status: criteria provided, single submitter. Criteria: CeGaT Center For Human Genetics Tuebingen Variant Classification Criteria Version 2. Collection method: clinical testing. Allele origin: germline. Affected: yes. Observed: 1 variant allele.
Comment: PAX1: PVS1:Strong, PM2

Revvity Omics, Revvity
Classification: Uncertain significance for Otofaciocervical syndrome 2. Last evaluated: 2021-10-22. Review status: criteria provided, single submitter. Criteria: ACMG Guidelines, 2015. Collection method: clinical testing. Allele origin: germline.

Literature cited by the submitters: PubMed 1889089 (cited by Labcorp Genetics (formerly Invitae), Labcorp); PubMed 23851939 (cited by Labcorp Genetics (formerly Invitae), Labcorp); PubMed 28657137 (cited by Labcorp Genetics (formerly Invitae), Labcorp and Variantyx, Inc.); PubMed 29681087 (cited by Labcorp Genetics (formerly Invitae), Labcorp).